The following is an entry in ClinVar:

NM_138711.6(PPARG):c.417G>A (p.Leu139=)

Gene: PPARG (peroxisome proliferator activated receptor gamma; plus strand). Cytogenetic location: 3p25.2.
Variant type: single nucleotide variant.
Coding change: c.417G>A on transcript NM_138711.6 (MANE Select); coding-DNA position 417, G replaced by A.
Protein change: p.Leu139=; no amino-acid change (leucine 139 retained).
Molecular consequence: synonymous variant. On other transcripts: 5 prime UTR variant (1).
Genome position (GRCh38, 1-based): chr3:12,392,640, G>A. VCF-style: chr3-12392640-G-A. GRCh37 (hg19) VCF-style: chr3-12434139-G-A.
Other names: c.417G>A, p.Leu139= (NM_001330615.4, NM_001354666.3, NM_001354667.3 and 6 more transcripts); c.507G>A, p.Leu169= (NM_001354668.2, NM_001374265.1, NM_015869.5); c.-11G>A (NM_001354669.2); c.423G>A, p.Leu141= (NM_001354670.2, NM_001374266.1).
Identifiers: ClinVar variation 342924 (VCV000342924.18), dbSNP rs41415646, ClinGen allele CA2258197.

ClinVar aggregate classification (germline): Conflicting classifications of pathogenicity. Review status: criteria provided, conflicting classifications (1 of 4 stars). 6 submissions from 4 submitters: Uncertain significance (2); Benign (1); Likely benign (2). 1 of the submissions does not count toward it. Last evaluated 2025-07-13.

Conditions:
Obesity. Also called: Obesity disorder. Identifiers: Orphanet 71529, MedGen C0028754, MeSH D009765, MONDO:0011122, HP:0001513.
INSULIN RESISTANCE, DIGENIC. Identifiers: MedGen C4016738.
PPARG-related disorder. Also called: PPARG-related disorders; PPARG-related condition.
PPARG-related familial partial lipodystrophy. Also called: LIPODYSTROPHY, FAMILIAL PARTIAL, ASSOCIATED WITH PPARG MUTATIONS. Identifiers: Orphanet 79083, MedGen C1720861, MONDO:0011448, OMIM 604367.

Allele frequency attached by ClinVar (database versions not stated): gnomAD exomes 0.00001 and 0.00005; gnomAD 0.00011 and 0.00015; ExAC 0.00006; TOPMed 0.00010.
gnomAD v4.1: 77 of 1,613,876 alleles (0.0048%); highest among the groups gnomAD compares: Admixed American, 0.017%; 1 homozygote.

Submissions (6):

Labcorp Genetics (formerly Invitae), Labcorp
Classification: Likely benign. Last evaluated: 2025-07-13. Review status: criteria provided, single submitter. Criteria: Invitae Variant Classification Sherloc (09022015). Collection method: clinical testing. Allele origin: germline.

Blueprint Genetics
Classification: Likely benign. Last evaluated: 2024-11-11. Review status: criteria provided, single submitter. Criteria: ACMG Guidelines, 2015. Collection method: clinical testing. Allele origin: germline.

Illumina Laboratory Services, Illumina
Classification: Uncertain significance for Diabetes Mellitus, Noninsulin-Dependent, with Acanthosis Nigricans and Hypertension. Last evaluated: 2018-01-12. Review status: criteria provided, single submitter. Criteria: ICSL Variant Classification Criteria 13 December 2019. Collection method: clinical testing. Allele origin: germline.

Illumina Laboratory Services, Illumina
Classification: Benign for PPARG-related familial partial lipodystrophy. Last evaluated: 2018-01-12. Review status: criteria provided, single submitter. Criteria: ICSL Variant Classification Criteria 13 December 2019. Collection method: clinical testing. Allele origin: germline.
Comment: This variant was observed in the ICSL laboratory as part of a predisposition screen in an ostensibly healthy population. It had not been previously curated by ICSL or reported in the Human Gene Mutation Database (HGMD: prior to June 1st, 2018), and was therefore a candidate for classification through an automated scoring system. Utilizing variant allele frequency, disease prevalence and penetrance estimates, and inheritance mode, an automated score was calculated to assess if this variant is too frequent to cause the disease. Based on the score and internal cut-off values, a variant classified as benign is not then subjected to further curation. The score for this variant resulted in a classification of benign for this disease.

Illumina Laboratory Services, Illumina
Classification: Uncertain significance for Inherited obesity. Last evaluated: 2018-01-12. Review status: criteria provided, single submitter. Criteria: ICSL Variant Classification Criteria 13 December 2019. Collection method: clinical testing. Allele origin: germline.

PreventionGenetics, part of Exact Sciences
Classification: Likely benign for PPARG-related condition. Last evaluated: 2021-12-13. Review status: no assertion criteria provided. Collection method: clinical testing. Allele origin: germline. Not counted in ClinVar's aggregate classification.
Comment: This variant is classified as likely benign based on ACMG/AMP sequence variant interpretation guidelines (Richards et al. 2015 PMID: 25741868, with internal and published modifications).